The following is an entry in ClinVar:

NM_000455.5(STK11):c.1029C>G (p.Asp343Glu)

Genes: STK11 (serine/threonine kinase 11; plus strand), LOC130062899 (ATAC-STARR-seq lymphoblastoid active region 13597; plus strand). Cytogenetic location: 19p13.3.
Variant type: single nucleotide variant.
Coding change: c.1029C>G on transcript NM_000455.5 (MANE Select); coding-DNA position 1029, C replaced by G.
Protein change: p.Asp343Glu; replaces aspartic acid 343 with glutamic acid.
Molecular consequence: missense variant.
Genome position (GRCh38, 1-based): chr19:1,223,093, C>G. VCF-style: chr19-1223093-C-G. GRCh37 (hg19) VCF-style: chr19-1223092-C-G.
Other names: short protein forms D343E.
Identifiers: ClinVar variation 822040 (VCV000822040.5), dbSNP rs1448942333, ClinGen allele CA402951762.

ClinVar aggregate classification (germline): Uncertain significance (1 of 4 stars; one submission).

Conditions:
Hereditary cancer-predisposing syndrome. Also called: Tumor predisposition; Hereditary Cancer Syndrome; Neoplastic Syndromes, Hereditary; Hereditary neoplastic syndrome. Identifiers: Orphanet 140162, MedGen C0027672, MeSH D009386, MONDO:0015356.

gnomAD v4.1: 1 of 1,610,786 alleles (0.000062%); highest among the groups gnomAD compares: Non-Finnish European, 0.000085%; no homozygotes.

Submission:

Ambry Genetics
Classification: Uncertain significance for Hereditary cancer-predisposing syndrome. Last evaluated: 2025-10-31. Review status: criteria provided, single submitter. Criteria: Ambry Variant Classification Scheme 2023. Collection method: clinical testing. Allele origin: germline.
Comment: The p.D343E variant (also known as c.1029C>G), located in coding exon 8 of the STK11 gene, results from a C to G substitution at nucleotide position 1029. The aspartic acid at codon 343 is replaced by glutamic acid, an amino acid with highly similar properties. This amino acid position is highly conserved in available vertebrate species. In addition, this alteration is predicted to be tolerated by in silico analysis. Since supporting evidence is limited at this time, the clinical significance of this alteration remains unclear.